The following is an entry in ClinVar:

NM_006164.5(NFE2L2):c.45+1G>A

Genes: NFE2L2 (NFE2 like bZIP transcription factor 2; minus strand), LOC129935169 (ATAC-STARR-seq lymphoblastoid silent region 12145; plus strand). Cytogenetic location: 2q31.2.
Variant type: single nucleotide variant.
Coding change: c.45+1G>A on transcript NM_006164.5 (MANE Select); the canonical splice donor site of the intron after coding-DNA position 45, G replaced by A.
Molecular consequence: splice donor variant.
Genome position (GRCh38, 1-based): chr2:177,264,531, C>T on the plus strand (G>A on the coding strand, the complement: NFE2L2 is on the minus strand). VCF-style: chr2-177264531-C-T. GRCh37 (hg19) VCF-style: chr2-178129259-C-T.
Other names: c.45+1G>A (NM_001313903.2, NM_001313902.2).
Identifiers: ClinVar variation 2039578 (VCV002039578.4), dbSNP rs2468352461, ClinGen allele CA349389720.
Genomic context (GRCh38, chr2:177,264,531, plus strand): 5'-TCCCTAGCTCCCCCGCCCCCGTCCCGGCACCACCGCAGGGCCCAGAGGGCCGAGGCAGCA[C>T]CTGCTGGGACGGGAGTCCCGGCGGCGGCAGCTCCAAGTCCATCATGATGAGCTGTGGACC-3'

ClinVar aggregate classification (germline): Uncertain significance (1 of 4 stars; one submission).

Submission:

Labcorp Genetics (formerly Invitae), Labcorp
Classification: Uncertain significance. Last evaluated: 2023-08-04. Review status: criteria provided, single submitter. Criteria: Invitae Variant Classification Sherloc (09022015). Collection method: clinical testing. Allele origin: germline.
Comment: This variant has not been reported in the literature in individuals affected with NFE2L2-related conditions. In summary, the available evidence is currently insufficient to determine the role of this variant in disease. Therefore, it has been classified as a Variant of Uncertain Significance. Algorithms developed to predict the effect of sequence changes on RNA splicing suggest that this variant may disrupt the consensus splice site. ClinVar contains an entry for this variant (Variation ID: 2039578). This variant is not present in population databases (gnomAD no frequency). This sequence change affects a donor splice site in intron 1 of the NFE2L2 gene. It is expected to disrupt RNA splicing. Variants that disrupt the donor or acceptor splice site typically lead to a loss of protein function (PMID: 16199547), however the current clinical and genetic evidence is not sufficient to establish whether loss-of-function variants in NFE2L2 cause disease.

Literature cited by the submitters: PubMed 16199547.